The following is an entry in ClinVar:

ClinVar aggregate classification (germline): Uncertain significance. Review status: criteria provided, multiple submitters, no conflicts (2 of 4 stars). 3 submissions from 3 submitters: Uncertain significance (3). Last evaluated 2024-10-28.

Conditions:
Hereditary cancer-predisposing syndrome. Also called: Hereditary Cancer Syndrome; Neoplastic Syndromes, Hereditary; Tumor predisposition; Hereditary neoplastic syndrome. Identifiers: Orphanet 140162, MedGen C0027672, MeSH D009386, MONDO:0015356.
Hereditary diffuse gastric adenocarcinoma (HDGC). Also called: DIFFUSE GASTRIC AND LOBULAR BREAST CANCER SYNDROME. Identifiers: Orphanet 26106, MedGen C1708349, MONDO:0007648, OMIM 137215.

Submissions (3):

Ambry Genetics
Classification: Uncertain significance for Hereditary cancer-predisposing syndrome. Last evaluated: 2024-10-28. Review status: criteria provided, single submitter. Criteria: Ambry Variant Classification Scheme 2023. Collection method: clinical testing. Allele origin: germline.
Comment: The p.V685L variant (also known as c.2053G>C), located in coding exon 13 of the CDH1 gene, results from a G to C substitution at nucleotide position 2053. The valine at codon 685 is replaced by leucine, an amino acid with highly similar properties. This amino acid position is well conserved in available vertebrate species. In addition, the in silico prediction for this alteration is inconclusive. Based on the available evidence, the clinical significance of this variant remains unclear.

GeneDx
Classification: Uncertain significance. Last evaluated: 2023-01-17. Review status: criteria provided, single submitter. Criteria: GeneDx Variant Classification Process June 2021. Collection method: clinical testing. Allele origin: germline. Affected: yes.
Comment: Not observed at significant frequency in large population cohorts (gnomAD); In silico analysis supports that this missense variant has a deleterious effect on protein structure/function; Has not been previously published as pathogenic or benign to our knowledge; This variant is associated with the following publications: (PMID: 15235021, 22850631)

Labcorp Genetics (formerly Invitae), Labcorp
Classification: Uncertain significance for Hereditary diffuse gastric adenocarcinoma. Last evaluated: 2018-04-16. Review status: criteria provided, single submitter. Criteria: Invitae Variant Classification Sherloc (09022015). Collection method: clinical testing. Allele origin: germline.
Comment: In summary, the available evidence is currently insufficient to determine the role of this variant in disease. Therefore, it has been classified as a Variant of Uncertain Significance. Algorithms developed to predict the effect of missense changes on protein structure and function do not agree on the potential impact of this missense change (SIFT: "Deleterious"; PolyPhen-2: "Benign"; Align-GVGD: "Class C0"). This variant has not been reported in the literature in individuals with CDH1-related disease. ClinVar contains an entry for this variant (Variation ID: 232554). This variant is not present in population databases (ExAC no frequency). This sequence change replaces valine with leucine at codon 685 of the CDH1 protein (p.Val685Leu). The valine residue is highly conserved and there is a small physicochemical difference between valine and leucine.

NM_004360.5(CDH1):c.2053G>C (p.Val685Leu)

Gene: CDH1 (cadherin 1; plus strand). Cytogenetic location: 16q22.1.
Variant type: single nucleotide variant.
Coding change: c.2053G>C on transcript NM_004360.5 (MANE Select); coding-DNA position 2053, G replaced by C.
Protein change: p.Val685Leu; replaces valine 685 with leucine.
Molecular consequence: missense variant.
Genome position (GRCh38, 1-based): chr16:68,823,515, G>C. VCF-style: chr16-68823515-G-C. GRCh37 (hg19) VCF-style: chr16-68857418-G-C.
Other names: c.2053G>C (LRG_301t1); c.1870G>C, p.Val624Leu (NM_001317184.2); c.505G>C, p.Val169Leu (NM_001317185.2); c.88G>C, p.Val30Leu (NM_001317186.2); short protein forms V685L, V169L, V30L, V624L.
Identifiers: ClinVar variation 232554 (VCV000232554.14), dbSNP rs550612843, ClinGen allele CA10580147.